The following is an entry in ClinVar:

NM_001083961.2(WDR62):c.4153+9A>G

Gene: WDR62 (WD repeat domain 62; plus strand). Cytogenetic location: 19q13.12.
Variant type: single nucleotide variant.
Coding change: c.4153+9A>G on transcript NM_001083961.2 (MANE Select); 9 bases into the intron after coding-DNA position 4153, A replaced by G.
Molecular consequence: intron variant.
Genome position (GRCh38, 1-based): chr19:36,103,990, A>G. VCF-style: chr19-36103990-A-G. GRCh37 (hg19) VCF-style: chr19-36594892-A-G.
Other names: p.?; c.4138+9A>G (NM_173636.5).
Identifiers: ClinVar variation 742327 (VCV000742327.10), dbSNP rs781438556, ClinGen allele CA9396479.

ClinVar aggregate classification (germline): Likely benign. Review status: criteria provided, multiple submitters, no conflicts (2 of 4 stars). 3 submissions from 3 submitters: Likely benign (3). Last evaluated 2025-10-01.

Allele frequency attached by ClinVar (database versions not stated): TOPMed 0.00106; ExAC 0.00005; gnomAD exomes 0.00006; gnomAD 0.00040 and 0.00046.
gnomAD v4.1: 118 of 1,597,266 alleles (0.0074%); highest among the groups gnomAD compares: Admixed American, 0.15%; 2 homozygotes.

Submissions (3):

Mayo Clinic Laboratories, Mayo Clinic
Classification: Likely benign. Last evaluated: 2025-10-01. Review status: criteria provided, single submitter. Criteria: ACMG Guidelines, 2015. Collection method: clinical testing. Allele origin: germline. Observed: 1 variant allele.
Comment: BP4, BP7

Labcorp Genetics (formerly Invitae), Labcorp
Classification: Likely benign. Last evaluated: 2024-08-02. Review status: criteria provided, single submitter. Criteria: Invitae Variant Classification Sherloc (09022015). Collection method: clinical testing. Allele origin: germline.

Athena Diagnostics
Classification: Likely benign. Last evaluated: 2024-02-20. Review status: criteria provided, single submitter. Criteria: Athena Diagnostics Criteria. Collection method: clinical testing. Allele origin: unknown.